The following is an entry in ClinVar:

NM_005228.5(EGFR):c.3115-10del

Gene: EGFR (epidermal growth factor receptor; plus strand). Cytogenetic location: 7p11.2.
Variant type: Deletion.
Coding change: c.3115-10del on transcript NM_005228.5 (MANE Select); 10 bases into the intron before coding-DNA position 3115, one base deleted (T; older notation c.3115-10delT).
Molecular consequence: intron variant.
Genome position (GRCh38, 1-based): chr7:55,201,725, T deleted; the last of 3 consecutive T bases (chr7:55,201,723-55,201,725); deleting any one gives the same sequence. VCF-style (leftmost placement, unchanged base first): chr7-55201722-GT-G. GRCh37 (hg19) VCF-style: chr7-55269415-GT-G.
Other names: c.2980-10del (NM_001346899.2, NM_001346897.2); c.2314-10del (NM_001346941.2); c.3115-10del (NM_001346898.2); c.2956-10del (NM_001346900.2); c.3115-10delT (NM_005228.4).
Identifiers: ClinVar variation 1531234 (VCV001531234.10), dbSNP rs2128972453, ClinGen allele CA2573142286.
Genomic context (GRCh38, chr7:55,201,722, plus strand): 5'-CACCTGCATTCAGGAAAAGTGGATGAGATGTGGTACAAGCATTCCATGGGCAACTTCTCT[GT>G]TTCTTTTTCAGAGTGCAACCAGCAACAATTCCACCGTGGCTTGCATTGATAGAAATGGGG-3'

ClinVar aggregate classification (germline): Likely benign. Review status: criteria provided, single submitter (1 of 4 stars). 2 submissions from 2 submitters: Likely benign (1). 1 of the submissions does not count toward it. Last evaluated 2025-04-02.

Conditions:
EGFR-related disorder. Also called: EGFR-related condition.
EGFR-related lung cancer (EGFR). Identifiers: MedGen CN130014.

Submissions (2):

Labcorp Genetics (formerly Invitae), Labcorp
Classification: Likely benign for EGFR-related lung cancer. Last evaluated: 2025-04-02. Review status: criteria provided, single submitter. Criteria: Invitae Variant Classification Sherloc (09022015). Collection method: clinical testing. Allele origin: germline.

PreventionGenetics, part of Exact Sciences
Classification: Likely benign for EGFR-related condition. Last evaluated: 2023-09-21. Review status: no assertion criteria provided. Collection method: clinical testing. Allele origin: germline. Not counted in ClinVar's aggregate classification.
Comment: This variant is classified as likely benign based on ACMG/AMP sequence variant interpretation guidelines (Richards et al. 2015 PMID: 25741868, with internal and published modifications).